The following is an entry in ClinVar:

NM_032043.3(BRIP1):c.610T>C (p.Ser204Pro)

Gene: BRIP1 (BRCA1 interacting DNA helicase 1; minus strand). Cytogenetic location: 17q23.2.
Variant type: single nucleotide variant.
Coding change: c.610T>C on transcript NM_032043.3 (MANE Select); coding-DNA position 610, T replaced by C.
Protein change: p.Ser204Pro; replaces serine 204 with proline.
Molecular consequence: missense variant.
Genome position (GRCh38, 1-based): chr17:61,847,118, A>G on the plus strand (T>C on the coding strand, the complement: BRIP1 is on the minus strand). VCF-style: chr17-61847118-A-G. GRCh37 (hg19) VCF-style: chr17-59924479-A-G.
Other names: short protein forms S204P.
Identifiers: ClinVar variation 1751680 (VCV001751680.2), dbSNP rs761401027, ClinGen allele CA400482853.

ClinVar aggregate classification (germline): Uncertain significance (1 of 4 stars; one submission).

Conditions:
Hereditary cancer-predisposing syndrome. Also called: Hereditary Cancer Syndrome; Hereditary neoplastic syndrome; Neoplastic Syndromes, Hereditary; Tumor predisposition. Identifiers: Orphanet 140162, MedGen C0027672, MeSH D009386, MONDO:0015356.

gnomAD v4.1: 1 of 1,613,798 alleles (0.000062%); highest among the groups gnomAD compares: Non-Finnish European, 0.000085%; no homozygotes.

Submission:

Ambry Genetics
Classification: Uncertain significance for Hereditary cancer-predisposing syndrome. Last evaluated: 2015-09-23. Review status: criteria provided, single submitter. Criteria: Ambry Variant Classification Scheme 2023. Collection method: clinical testing. Allele origin: germline.
Comment: The p.S204P variant (also known as c.610T>C), located in coding exon 5 of the BRIP1 gene, results from a T to C substitution at nucleotide position 610. The serine at codon 204 is replaced by proline, an amino acid with similar properties. This variant was not reported in population based cohorts in the following databases: Database of Single Nucleotide Polymorphisms (dbSNP), NHLBI Exome Sequencing Project (ESP), and 1000 Genomes Project. In the ESP, this variant was not observed in 6502 samples (13004 alleles) with coverage at this position. To date, this alteration has been detected with an allele frequency of approximately 0.002% (greater than 65000 alleles tested) in our clinical cohort. This amino acid position is well conserved in available vertebrate species. In addition, this alteration is predicted to be tolerated by in silico analysis. Since supporting evidence is limited at this time, the clinical significance of p.S204P remains unclear.